The following is an entry in ClinVar:

NM_001099922.3(ALG13):c.3394_3396del (p.Tyr1132del)

Gene: ALG13 (ALG13 UDP-N-acetylglucosaminyltransferase subunit; plus strand). Cytogenetic location: Xq23.
Variant type: Deletion.
Coding change: c.3394_3396del on transcript NM_001099922.3 (MANE Select); coding-DNA positions 3394 to 3396, 3 bases deleted (TAT; older notation c.3394_3396delTAT).
Protein change: p.Tyr1132del; deletes tyrosine 1132.
Molecular consequence: inframe deletion. On other transcripts: non-coding transcript variant (1).
Genome position (GRCh38, 1-based): chrX:111,759,979-111,759,981, TAT deleted; deleting any 3 consecutive bases within chrX:111,759,977-111,759,981 gives the same sequence; the c. name uses the placement nearest the transcript's 3' end. VCF-style (leftmost placement, unchanged base first): chrX-111759976-CATT-C. GRCh37 (hg19) VCF-style: chrX-111003204-CATT-C.
Other names: c.2845_2847del, p.Tyr949del (NM_001257230.2, NM_001257234.2, NM_001257237.2); c.3160_3162del, p.Tyr1054del (NM_001257231.2); c.3157_3159del, p.Tyr1053del (NM_001324292.2); c.2671_2673del, p.Tyr891del (NM_001324293.1); short protein forms Y1053del, Y891del, Y949del, Y1054del, Y1132del.
Identifiers: ClinVar variation 5009070 (VCV005009070.1).

ClinVar aggregate classification (germline): Uncertain significance (1 of 4 stars; one submission).

Submission:

GeneDx
Classification: Uncertain significance. Last evaluated: 2026-03-17. Review status: criteria provided, single submitter. Criteria: GeneDx Variant Classification Process June 2021. Collection method: clinical testing. Allele origin: germline.
Comment: Not observed at significant frequency in large population cohorts (gnomAD); In-frame deletion of 1 amino acid(s) in a non-repeat region; In silico analysis supports a deleterious effect on protein structure/function; Has not been previously published as pathogenic or benign to our knowledge